The following is an entry in ClinVar:

NM_001375524.1(TRRAP):c.10690C>T (p.Arg3564Cys)

Gene: TRRAP (transformation/transcription domain associated protein; plus strand). Cytogenetic location: 7q22.1.
Variant type: single nucleotide variant.
Coding change: c.10690C>T on transcript NM_001375524.1 (MANE Select); coding-DNA position 10690, C replaced by T.
Protein change: p.Arg3564Cys; replaces arginine 3564 with cysteine.
Molecular consequence: missense variant.
Genome position (GRCh38, 1-based): chr7:99,005,285, C>T. VCF-style: chr7-99005285-C-T. GRCh37 (hg19) VCF-style: chr7-98602908-C-T.
Other names: c.10648C>T, p.Arg3550Cys (NM_001244580.2); c.10561C>T, p.Arg3521Cys (NM_003496.4); short protein forms R3564C, R3550C, R3521C.
Identifiers: ClinVar variation 3680773 (VCV003680773.2).

ClinVar aggregate classification (germline): Uncertain significance (1 of 4 stars; one submission).

gnomAD v4.1: 6 of 1,614,136 alleles (0.00037%); highest among the groups gnomAD compares: Non-Finnish European, 0.00051%; no homozygotes.

Submission:

Labcorp Genetics (formerly Invitae), Labcorp
Classification: Uncertain significance. Last evaluated: 2025-03-05. Review status: criteria provided, single submitter. Criteria: Invitae Variant Classification Sherloc (09022015). Collection method: clinical testing. Allele origin: germline.
Comment: This sequence change replaces arginine, which is basic and polar, with cysteine, which is neutral and slightly polar, at codon 3521 of the TRRAP protein (p.Arg3521Cys). This variant is present in population databases (no rsID available, gnomAD 0.0009%). This variant has not been reported in the literature in individuals affected with TRRAP-related conditions. This missense change has been observed in at least one individual who was not affected with TRRAP-related conditions (internal data). Invitae Evidence Modeling of protein sequence and biophysical properties (such as structural, functional, and spatial information, amino acid conservation, physicochemical variation, residue mobility, and thermodynamic stability) indicates that this missense variant is expected to disrupt TRRAP protein function with a positive predictive value of 80%. In summary, the available evidence is currently insufficient to determine the role of this variant in disease. Therefore, it has been classified as a Variant of Uncertain Significance.